The following is an entry in ClinVar:

NM_001352027.3(PHF21A):c.1846C>G (p.Leu616Val)

Gene: PHF21A (PHD finger protein 21A; minus strand). Cytogenetic location: 11p11.2.
Variant type: single nucleotide variant.
Coding change: c.1846C>G on transcript NM_001352027.3 (MANE Select); coding-DNA position 1846, C replaced by G.
Protein change: p.Leu616Val; replaces leucine 616 with valine.
Molecular consequence: missense variant. On other transcripts: non-coding transcript variant (2).
Genome position (GRCh38, 1-based): chr11:45,934,168, G>C on the plus strand (C>G on the coding strand, the complement: PHF21A is on the minus strand). VCF-style: chr11-45934168-G-C. GRCh37 (hg19) VCF-style: chr11-45955719-G-C.
Other names: c.1843C>G, p.Leu615Val (NM_001101802.3); c.1846C>G, p.Leu616Val (NM_001352025.3, NM_001352026.3); c.1705C>G, p.Leu569Val (NM_001352028.1, NM_001352029.1, NM_016621.5); c.1702C>G, p.Leu568Val (NM_001352030.3, NM_001352031.3, NM_001352032.3); short protein forms L568V, L569V, L615V, L616V.
Identifiers: ClinVar variation 1334755 (VCV001334755.4), dbSNP rs2134955205, ClinGen allele CA380253459.

ClinVar aggregate classification (germline): Uncertain significance (1 of 4 stars; one submission).

Allele frequency attached by ClinVar (database versions not stated): gnomAD exomes below 0.00001.
gnomAD v4.1: 1 of 1,614,064 alleles (0.000062%); highest among the groups gnomAD compares: African/African-American, 0.0013%; no homozygotes.

Submission:

Greenwood Genetic Center Diagnostic Laboratories, Greenwood Genetic Center
Classification: Uncertain significance. Last evaluated: 2021-06-10. Review status: criteria provided, single submitter. Criteria: ACMG Guidelines, 2015. Collection method: clinical testing. Allele origin: germline. Affected: yes.
Comment: PM2